The following is an entry in ClinVar:

ClinVar aggregate classification (germline): Conflicting classifications of pathogenicity. Review status: criteria provided, conflicting classifications (1 of 4 stars). 10 submissions from 10 submitters: Uncertain significance (1); Likely benign (6). 3 of the submissions do not count toward it. Last evaluated 2026-01-19.

Conditions:
Hypercholesterolemia, familial, 4 (FHCL4). Also called: HYPERCHOLESTEROLEMIA, AUTOSOMAL RECESSIVE, 1; HYPERCHOLESTEROLEMIA, AUTOSOMAL RECESSIVE, 2. Identifiers: Orphanet 391665, MedGen C1863512, MONDO:0011374, OMIM 603813.
Cardiovascular phenotype. Identifiers: MedGen CN230736.
Familial hypercholesterolemia. Also called: Familial hypercholesterolemias; Familial hypercholesterolaemia. Identifiers: MedGen C0020445, MONDO:0005439.

Allele frequency attached by ClinVar (database versions not stated): ESP Exome Variant Server 0.00008; 1000 Genomes Project 30x 0.00016; 1000 Genomes Project 0.00020; gnomAD exomes 0.00048 and 0.00057; TOPMed 0.00061; ExAC 0.00050; gnomAD 0.00050 and 0.00054.
gnomAD v4.1: 906 of 1,614,174 alleles (0.056%); highest among the groups gnomAD compares: Admixed American, 0.092%; 1 homozygote.

Submissions (10):

Labcorp Genetics (formerly Invitae), Labcorp
Classification: Likely benign for Hypercholesterolemia, familial, 4. Last evaluated: 2026-01-19. Review status: criteria provided, single submitter. Criteria: Invitae Variant Classification Sherloc (09022015). Collection method: clinical testing. Allele origin: germline.

ARUP Laboratories, Molecular Genetics and Genomics, ARUP Laboratories
Classification: Likely benign for Hypercholesterolemia, familial, 4. Last evaluated: 2025-03-17. Review status: criteria provided, single submitter. Criteria: ARUP Molecular Germline Variant Investigation Process 2024. Collection method: clinical testing. Allele origin: germline.

Blueprint Genetics
Classification: Likely benign. Last evaluated: 2024-10-18. Review status: criteria provided, single submitter. Criteria: ACMG Guidelines, 2015. Collection method: clinical testing. Allele origin: germline.

GENinCode PLC
Classification: Likely benign for Hypercholesterolemia, familial, 4. Last evaluated: 2024-04-29. Review status: criteria provided, single submitter. Criteria: ACMG Guidelines, 2015. Collection method: clinical testing. Allele origin: germline.
Comment: This is a synonymous (silent) variant that is not predicted by SpliceAI to impact splicing. In addition, it occurs at a nucleotide that is not conserved. Therefore this variant has been classified as Likely Benign (BP4, BP7).

Ambry Genetics
Classification: Likely benign for Cardiovascular phenotype. Last evaluated: 2019-11-25. Review status: criteria provided, single submitter. Criteria: Ambry Variant Classification Scheme 2023. Collection method: clinical testing. Allele origin: germline.

Women's Health and Genetics/Laboratory Corporation of America, LabCorp
Classification: Likely benign. Last evaluated: 2019-08-28. Review status: criteria provided, single submitter. Criteria: LabCorp Variant Classification Summary - May 2015. Collection method: clinical testing. Allele origin: germline.

Illumina Laboratory Services, Illumina
Classification: Uncertain significance for Hypercholesterolemia, familial, 4. Last evaluated: 2018-01-13. Review status: criteria provided, single submitter. Criteria: ICSL Variant Classification Criteria 13 December 2019. Collection method: clinical testing. Allele origin: germline.

Natera, Inc.
Classification: Likely benign for Familial hypercholesterolemia. Last evaluated: 2020-05-03. Review status: no assertion criteria provided. Collection method: clinical testing. Allele origin: germline. Not counted in ClinVar's aggregate classification.

Clinical Genetics, Academic Medical Center
Classification: Likely benign. Review status: no assertion criteria provided. Collection method: clinical testing. Allele origin: germline. Affected: yes. Study: VKGL Data-share Consensus. Not counted in ClinVar's aggregate classification.

Diagnostic Laboratory, Department of Genetics, University Medical Center Groningen
Classification: Likely benign. Review status: no assertion criteria provided. Collection method: clinical testing. Allele origin: germline. Affected: yes. Study: VKGL Data-share Consensus. Not counted in ClinVar's aggregate classification.

NM_015627.3(LDLRAP1):c.396C>T (p.Ile132=)

Gene: LDLRAP1 (low density lipoprotein receptor adaptor protein 1; plus strand). Cytogenetic location: 1p36.11.
Variant type: single nucleotide variant.
Coding change: c.396C>T on transcript NM_015627.3 (MANE Select); coding-DNA position 396, C replaced by T.
Protein change: p.Ile132=; no amino-acid change (isoleucine 132 retained).
Molecular consequence: synonymous variant.
Genome position (GRCh38, 1-based): chr1:25,557,204, C>T. VCF-style: chr1-25557204-C-T. GRCh37 (hg19) VCF-style: chr1-25883695-C-T.
Identifiers: ClinVar variation 468287 (VCV000468287.30), dbSNP rs369497122, ClinGen allele CA695536.